The following is an entry in ClinVar:

ClinVar aggregate classification (germline): Uncertain significance (1 of 4 stars; one submission).

gnomAD v4.1: 6 of 1,614,060 alleles (0.00037%); highest among the groups gnomAD compares: Non-Finnish European, 0.00051%; no homozygotes.

Submission:

Ambry Genetics
Classification: Uncertain significance. Last evaluated: 2024-04-29. Review status: criteria provided, single submitter. Criteria: Ambry Variant Classification Scheme 2023. Collection method: clinical testing. Allele origin: germline.
Comment: The p.G1081E variant (also known as c.3242G>A), located in coding exon 4 of the ALPK2 gene, results from a G to A substitution at nucleotide position 3242. The glycine at codon 1081 is replaced by glutamic acid, an amino acid with similar properties. This amino acid position is conserved. In addition, this alteration is predicted to be tolerated by in silico analysis. Based on the available evidence, the clinical significance of this variant remains unclear.

NM_052947.4(ALPK2):c.3242G>A (p.Gly1081Glu)

Gene: ALPK2 (alpha kinase 2; minus strand). Cytogenetic location: 18q21.31.
Variant type: single nucleotide variant.
Coding change: c.3242G>A on transcript NM_052947.4 (MANE Select); coding-DNA position 3242, G replaced by A.
Protein change: p.Gly1081Glu; replaces glycine 1081 with glutamic acid.
Molecular consequence: missense variant.
Genome position (GRCh38, 1-based): chr18:58,536,945, C>T on the plus strand (G>A on the coding strand, the complement: ALPK2 is on the minus strand). VCF-style: chr18-58536945-C-T. GRCh37 (hg19) VCF-style: chr18-56204177-C-T.
Other names: short protein forms G1081E.
Identifiers: ClinVar variation 3290249 (VCV003290249.1).